The following is an entry in ClinVar:

NM_001267550.2(TTN):c.14005G>A (p.Glu4669Lys)

Gene: TTN (titin; minus strand). Cytogenetic location: 2q31.2.
Variant type: single nucleotide variant.
Coding change: c.14005G>A on transcript NM_001267550.2 (MANE Select); coding-DNA position 14005, G replaced by A.
Protein change: p.Glu4669Lys; replaces glutamic acid 4669 with lysine.
Molecular consequence: missense variant.
Genome position (GRCh38, 1-based): chr2:178,739,228, C>T on the plus strand (G>A on the coding strand, the complement: TTN is on the minus strand). VCF-style: chr2-178739228-C-T. GRCh37 (hg19) VCF-style: chr2-179603955-C-T.
Other names: c.10361-868G>A (NM_133378.4); c.13054G>A, p.Glu4352Lys (NM_001256850.1); c.12916G>A, p.Glu4306Lys (NM_003319.4); c.13291G>A, p.Glu4431Lys (NM_133432.3); c.13492G>A, p.Glu4498Lys (NM_133437.4); short protein forms E4669K, E4352K, E4498K, E4431K, E4306K.
Identifiers: ClinVar variation 192034 (VCV000192034.4), dbSNP rs368543748, ClinGen allele CA238153.

ClinVar aggregate classification (germline): Uncertain significance. Review status: criteria provided, multiple submitters, no conflicts (2 of 4 stars). 3 submissions from 3 submitters: Uncertain significance (3). Last evaluated 2026-09-01.

Conditions:
TTN-related disorder. Also called: TTN-related condition; TTN-related disease; TTN-related disorders.
Cardiovascular phenotype. Identifiers: MedGen CN230736.

Allele frequency attached by ClinVar (database versions not stated): gnomAD 0.00003 and 0.00004; TOPMed 0.00005; ExAC 0.00007; gnomAD exomes 0.00007; ESP Exome Variant Server 0.00008; 1000 Genomes Project 0.00020; 1000 Genomes Project 30x 0.00031.
gnomAD v4.1: 58 of 1,580,242 alleles (0.0037%); highest among the groups gnomAD compares: East Asian, 0.047%; no homozygotes.

Submissions (3):

PreventionGenetics, part of Exact Sciences
Classification: Uncertain significance for TTN-related condition. Last evaluated: 2026-09-01. Review status: criteria provided, single submitter. Criteria: ACMG Guidelines, 2015. Collection method: clinical testing. Allele origin: germline.
Comment: The TTN c.14005G>A variant is predicted to result in the amino acid substitution p.Glu4669Lys. To our knowledge, this variant has not been reported in the literature in individuals with TTN-related disorders. This variant is reported in 0.079% of alleles in individuals of East Asian descent in gnomAD. Although we suspect that this variant may be benign, at this time, the clinical significance of this variant is uncertain due to the absence of conclusive functional and genetic evidence.

Ambry Genetics
Classification: Uncertain significance for Cardiovascular phenotype. Last evaluated: 2019-05-29. Review status: criteria provided, single submitter. Criteria: Ambry Variant Classification Scheme 2023. Collection method: clinical testing. Allele origin: germline.
Comment: The p.E4306K variant (also known as c.12916G>A), located in coding exon 44 of the TTN gene, results from a G to A substitution at nucleotide position 12916. The glutamic acid at codon 4306 is replaced by lysine, an amino acid with similar properties. This alteration has been reported as a secondary cardiac variant (as NM_133378.4:c.10361-868G>A) in an exome cohort (Ng D et al. Circ Cardiovasc Genet, 2013 Aug;6:337-46). This amino acid position is highly conserved in available vertebrate species. In addition, this alteration is predicted to be tolerated by in silico analysis. Since supporting evidence is limited at this time, the clinical significance of this alteration remains unclear.

Biesecker Lab/Clinical Genomics Section, National Institutes of Health
Classification: Uncertain significance. Last evaluated: 2013-06-24. Review status: criteria provided, single submitter. Criteria: Ng et al. (Circ Cardiovasc Genet. 2013). Collection method: research. Allele origin: unknown. Observed: 1 variant allele. Study: ClinSeq.
Comment: The study set was not selected for affection status in relation to any cancer. Pathogenicity categories were based on literature curation. See Pubmed ID:23861362 for details.

Medical sequencing

Literature cited by the submitters: PubMed 23861362 (cited by Ambry Genetics).